The following is an entry in ClinVar:

ClinVar aggregate classification (germline): Uncertain significance (1 of 4 stars; one submission).

Submission:

Labcorp Genetics (formerly Invitae), Labcorp
Classification: Uncertain significance. Last evaluated: 2025-10-06. Review status: criteria provided, single submitter. Criteria: Invitae Variant Classification Sherloc (09022015). Collection method: clinical testing. Allele origin: germline.
Comment: This sequence change falls in intron 11 of the AP3D1 gene. It does not directly change the encoded amino acid sequence of the AP3D1 protein. It affects a nucleotide within the consensus splice site. This variant is not present in population databases (gnomAD no frequency). This variant has not been reported in the literature in individuals affected with AP3D1-related conditions. Variants that disrupt the consensus splice site are a relatively common cause of aberrant splicing (PMID: 17576681, 9536098). Algorithms developed to predict the effect of sequence changes on RNA splicing suggest that this variant may disrupt the consensus splice site. In summary, the available evidence is currently insufficient to determine the role of this variant in disease. Therefore, it has been classified as a Variant of Uncertain Significance.

Literature cited by the submitters: PubMed 17576681; PubMed 9536098.

NM_001261826.3(AP3D1):c.955+6T>C

Gene: AP3D1 (adaptor related protein complex 3 subunit delta 1; minus strand). Cytogenetic location: 19p13.3.
Variant type: single nucleotide variant.
Coding change: c.955+6T>C on transcript NM_001261826.3 (MANE Select); 6 bases into the intron after coding-DNA position 955, T replaced by C.
Molecular consequence: intron variant.
Genome position (GRCh38, 1-based): chr19:2,123,352, A>G on the plus strand (T>C on the coding strand, the complement: AP3D1 is on the minus strand). VCF-style: chr19-2123352-A-G. GRCh37 (hg19) VCF-style: chr19-2123351-A-G.
Other names: c.955+6T>C (NM_003938.8, NM_001374799.1).
Identifiers: ClinVar variation 4728573 (VCV004728573.1).